The following is an entry in ClinVar:

NC_000001.11:g.(?_197268413)_(197357013_?)del

Gene: CRB1 (crumbs cell polarity complex component 1; plus strand). Cytogenetic location: 1q31.3.
Variant type: Deletion.
Identifiers: ClinVar variation 830603 (VCV000830603.1).

ClinVar aggregate classification (germline): Pathogenic (1 of 4 stars; one submission).

Conditions:
Leber congenital amaurosis 8 (LCA8). Identifiers: Orphanet 65, MedGen C3151202, MONDO:0013453, OMIM 613835.
Retinitis pigmentosa 12 (RP12). Also called: RP WITH OR WITHOUT PPRPE; RP WITH OR WITHOUT PRESERVED PARAARTERIOLE RETINAL PIGMENT EPITHELIUM; RETINITIS PIGMENTOSA WITH OR WITHOUT PARAARTERIOLAR PRESERVATION OF RETINAL PIGMENT EPITHELIUM. Identifiers: Orphanet 791, MedGen C1838647, MONDO:0010818, OMIM 600105.

Submission:

Labcorp Genetics (formerly Invitae), Labcorp
Classification: Pathogenic for Leber congenital amaurosis 8; Retinitis pigmentosa 12. Last evaluated: 2019-12-23. Review status: criteria provided, single submitter. Criteria: Invitae Variant Classification Sherloc (09022015). Collection method: clinical testing. Allele origin: germline.
Comment: This variant is a gross deletion of the genomic region encompassing exons 1-5 of the CRB1 gene, which includes the initiator codon. The 5' end of this event is unknown as it extends beyond the assayed region for this gene and therefore may encompass additional genes. The 3' boundary is likely confined to intron 5 of the CRB1 gene. This is expected to result in an absent or disrupted protein product. This variant has not been reported in the literature in individuals with CRB1-related conditions. Loss-of-function variants in CRB1 are known to be pathogenic (PMID: 10508521, 22065545, 23379534, 25412400, 26957898, 28041643, 29391521). For these reasons, this variant has been classified as Pathogenic.